The following is an entry in ClinVar:

NM_020166.5(MCCC1):c.640_641delGG

Gene: MCCC1 (methylcrotonyl-CoA carboxylase subunit 1; minus strand). Cytogenetic location: 3q27.1.
Variant type: Deletion.
Coding change: c.640_641delGG on transcript NM_020166.5 (MANE Select); coding-DNA positions 640 to 641, 2 bases deleted (GG).
Molecular consequence: splice acceptor variant.
Genome position (GRCh38, 1-based): chr3:183,071,119-183,071,120, CC deleted on the plus strand (GG on the coding strand, the reverse complement: MCCC1 is on the minus strand); deleting any 2 consecutive bases within chr3:183,071,119-183,071,121 gives the same sequence; the c. name uses the placement nearest the transcript's 3' end. VCF-style (leftmost placement, unchanged base first): chr3-183071118-TCC-T. GRCh37 (hg19) VCF-style: chr3-182788906-TCC-T.
Other names: c.640_641del (NM_020166.5, NM_020166.4).
Identifiers: ClinVar variation 344312 (VCV000344312.24), dbSNP rs886058209, ClinGen allele CA10618147.

ClinVar aggregate classification (germline): Pathogenic. Review status: criteria provided, multiple submitters, no conflicts (2 of 4 stars). 4 submissions from 4 submitters: Pathogenic (3). 1 of the submissions does not count toward it. Last evaluated 2025-10-18.

Conditions:
3-methylcrotonyl-CoA carboxylase 1 deficiency (MCC1D). Also called: MCCD TYPE 1; METHYLCROTONYLGLYCINURIA TYPE I; MCC 1 deficiency; 3 Alpha methylcrotonylglycinuria 1. Identifiers: Orphanet 6, MedGen CN028786, MONDO:0008861, OMIM 210200.
Methylcrotonyl-CoA carboxylase deficiency. Also called: Deficiency of methylcrotonoyl-CoA carboxylase; 3 Methylcrotonylglycinuria; 3-MCC Deficiency. Identifiers: Orphanet 6, MedGen C4551505, MONDO:0018950.

Submissions (4):

Labcorp Genetics (formerly Invitae), Labcorp
Classification: Pathogenic for 3-methylcrotonyl-CoA carboxylase 1 deficiency. Last evaluated: 2025-10-18. Review status: criteria provided, single submitter. Criteria: Invitae Variant Classification Sherloc (09022015). Collection method: clinical testing. Allele origin: germline.
Comment: This sequence change creates a premature translational stop signal (p.Gly214Asnfs*5) in the MCCC1 gene. It is expected to result in an absent or disrupted protein product. Loss-of-function variants in MCCC1 are known to be pathogenic (PMID: 11181649, 15359379, 22642865). This variant is present in population databases (no rsID available, gnomAD 0.0009%). This premature translational stop signal has been observed in individual(s) with 3 Methylcrotonyl-CoA carboxylase deficiency (PMID: 16010683). ClinVar contains an entry for this variant (Variation ID: 344312). Algorithms developed to predict the effect of sequence changes on RNA splicing suggest that this variant may disrupt the consensus splice site. For these reasons, this variant has been classified as Pathogenic.

Baylor Genetics
Classification: Pathogenic for 3-methylcrotonyl-CoA carboxylase 1 deficiency. Last evaluated: 2024-03-09. Review status: criteria provided, single submitter. Criteria: ACMG Guidelines, 2015. Collection method: clinical testing. Allele origin: unknown.

Eurofins Ntd Llc (ga)
Classification: Pathogenic. Last evaluated: 2017-01-12. Review status: criteria provided, single submitter. Criteria: EGL Classification Definitions 2015. Collection method: clinical testing. Allele origin: germline. Observed: 1 variant allele, 1 heterozygote.

Natera, Inc.
Classification: Pathogenic for 3-methylcrotonylglycinuria. Last evaluated: 2020-09-16. Review status: no assertion criteria provided. Collection method: clinical testing. Allele origin: germline. Not counted in ClinVar's aggregate classification.

Literature cited by the submitters: PubMed 11181649 (cited by Labcorp Genetics (formerly Invitae), Labcorp); PubMed 15359379 (cited by Labcorp Genetics (formerly Invitae), Labcorp); PubMed 22642865 (cited by Labcorp Genetics (formerly Invitae), Labcorp); PubMed 16010683 (cited by Labcorp Genetics (formerly Invitae), Labcorp).